The following is an entry in ClinVar:

NM_014694.4(ADAMTSL2):c.-151+2T>C

Gene: ADAMTSL2 (ADAMTS like 2; plus strand). Cytogenetic location: 9q34.2.
Variant type: single nucleotide variant.
Coding change: c.-151+2T>C on transcript NM_014694.4 (MANE Select); the canonical splice donor site of the intron after 151 bases upstream of the start codon, T replaced by C.
Molecular consequence: splice donor variant. On other transcripts: intron variant (1).
Genome position (GRCh38, 1-based): chr9:133,534,919, T>C. VCF-style: chr9-133534919-T-C. GRCh37 (hg19) VCF-style: chr9-136400041-T-C.
Other names: c.-150-1644T>C (NM_001145320.2).
Identifiers: ClinVar variation 1334608 (VCV001334608.29), dbSNP rs1432091144, ClinGen allele CA375398287.

ClinVar aggregate classification (germline): Uncertain significance. Review status: criteria provided, multiple submitters, no conflicts (2 of 4 stars). 2 submissions from 2 submitters: Uncertain significance (2). Last evaluated 2022-10-11.

Conditions:
Lethal short-limb skeletal dysplasia, Al Gazali type. Also called: Lethal neonatal short limb dwarfism. Identifiers: Orphanet 646136, MedGen C1832435, MONDO:0011051, OMIM 601356.

Allele frequency attached by ClinVar (database versions not stated): gnomAD exomes below 0.00001; gnomAD 0.00001; TOPMed 0.00001.
gnomAD v4.1: 6 of 1,393,148 alleles (0.00043%); highest among the groups gnomAD compares: Non-Finnish European, 0.00056%; no homozygotes.

Submissions (2):

Rare Disease Group, Clinical Genetics, Karolinska Institutet
Classification: Uncertain significance for Lethal short-limb skeletal dysplasia, Al Gazali type. Last evaluated: 2022-10-11. Review status: criteria provided, single submitter. Criteria: ACMG Guidelines, 2015. Collection method: clinical testing. Allele origin: germline. Affected: yes.

Greenwood Genetic Center Diagnostic Laboratories, Greenwood Genetic Center
Classification: Uncertain significance. Last evaluated: 2021-10-07. Review status: criteria provided, single submitter. Criteria: ACMG Guidelines, 2015. Collection method: clinical testing. Allele origin: germline. Affected: yes.
Comment: PM2